The following is an entry in ClinVar:

NM_004982.4(KCNJ8):c.328A>C (p.Met110Leu)

Genes: KCNJ8 (potassium inwardly rectifying channel subfamily J member 8; minus strand), KCNJ8-AS1 (KCNJ8 antisense RNA 1; plus strand). Cytogenetic location: 12p12.1.
Variant type: single nucleotide variant.
Coding change: c.328A>C on transcript NM_004982.4 (MANE Select); coding-DNA position 328, A replaced by C.
Protein change: p.Met110Leu; replaces methionine 110 with leucine.
Molecular consequence: missense variant.
Genome position (GRCh38, 1-based): chr12:21,773,289, T>G on the plus strand (A>C on the coding strand, the complement: KCNJ8 is on the minus strand). VCF-style: chr12-21773289-T-G. GRCh37 (hg19) VCF-style: chr12-21926223-T-G.
Other names: short protein forms M110L.
Identifiers: ClinVar variation 3697950 (VCV003697950.2).

ClinVar aggregate classification (germline): Uncertain significance (1 of 4 stars; one submission).

Conditions:
Brugada syndrome. Also called: Sudden unexpected nocturnal death syndrome; Sudden Unexplained Death Syndrome; Sudden Unexplained Nocturnal Death Syndrome (SUNDS); Sudden unexplained nocturnal death syndrome. Identifiers: Orphanet 130, MedGen C1142166, MONDO:0015263.

Submission:

Labcorp Genetics (formerly Invitae), Labcorp
Classification: Uncertain significance for Brugada syndrome. Last evaluated: 2024-07-13. Review status: criteria provided, single submitter. Criteria: Invitae Variant Classification Sherloc (09022015). Collection method: clinical testing. Allele origin: germline.
Comment: This sequence change replaces methionine, which is neutral and non-polar, with leucine, which is neutral and non-polar, at codon 110 of the KCNJ8 protein (p.Met110Leu). This variant is present in population databases (no rsID available, gnomAD 0.006%). This variant has not been reported in the literature in individuals affected with KCNJ8-related conditions. Advanced modeling of protein sequence and biophysical properties (such as structural, functional, and spatial information, amino acid conservation, physicochemical variation, residue mobility, and thermodynamic stability) performed at Invitae indicates that this missense variant is not expected to disrupt KCNJ8 protein function with a negative predictive value of 95%. In summary, the available evidence is currently insufficient to determine the role of this variant in disease. Therefore, it has been classified as a Variant of Uncertain Significance.